The following is an entry in ClinVar:

NC_000012.11:g.(?_112909300)_(112915437_?)del

Gene: PTPN11 (protein tyrosine phosphatase non-receptor type 11; plus strand). Cytogenetic location: 12q24.13.
Variant type: Deletion.
Identifiers: ClinVar variation 2424548 (VCV002424548.1).

ClinVar aggregate classification (germline): Pathogenic (1 of 4 stars; one submission).

Conditions:
RASopathy. Also called: Noonan spectrum disorder; rasopathies. Identifiers: Orphanet 536391, MedGen C5555857, MONDO:0021060.

Submission:

Labcorp Genetics (formerly Invitae), Labcorp
Classification: Pathogenic for RASopathy. Last evaluated: 2022-06-28. Review status: criteria provided, single submitter. Criteria: Invitae Variant Classification Sherloc (09022015). Collection method: clinical testing. Allele origin: germline.
Comment: This variant is a gross deletion of the genomic region encompassing exon(s) 7 of the PTPN11 gene. This deletion is out-of-frame, and is expected to create a premature termination codon and result in an absent or disrupted protein product. Loss-of-function variants in PTPN11 are known to be pathogenic (PMID: 20577567, 21533187). This variant has not been reported in the literature in individuals affected with PTPN11-related conditions. For these reasons, this variant has been classified as Pathogenic.

Literature cited by the submitters: PubMed 20577567; PubMed 21533187.